The following is an entry in ClinVar:

ClinVar aggregate classification (germline): Uncertain significance. Review status: criteria provided, multiple submitters, no conflicts (2 of 4 stars). 2 submissions from 2 submitters: Uncertain significance (2). Last evaluated 2022-07-21.

Conditions:
Progressive myoclonic epilepsy type 5. Identifiers: Orphanet 402082, MedGen C5190799.

Allele frequency attached by ClinVar (database versions not stated): TOPMed below 0.00001.
gnomAD v4.1: 11 of 1,614,264 alleles (0.00068%); highest among the groups gnomAD compares: Non-Finnish European, 0.00093%; no homozygotes.

Submissions (2):

Labcorp Genetics (formerly Invitae), Labcorp
Classification: Uncertain significance for Progressive myoclonic epilepsy type 5. Last evaluated: 2022-07-21. Review status: criteria provided, single submitter. Criteria: Invitae Variant Classification Sherloc (09022015). Collection method: clinical testing. Allele origin: germline.
Comment: In summary, the available evidence is currently insufficient to determine the role of this variant in disease. Therefore, it has been classified as a Variant of Uncertain Significance. Algorithms developed to predict the effect of missense changes on protein structure and function are either unavailable or do not agree on the potential impact of this missense change (SIFT: "Deleterious"; PolyPhen-2: "Benign"; Align-GVGD: "Class C15"). This variant has not been reported in the literature in individuals affected with PRICKLE2-related conditions. This variant is not present in population databases (gnomAD no frequency). This sequence change replaces leucine, which is neutral and non-polar, with arginine, which is basic and polar, at codon 352 of the PRICKLE2 protein (p.Leu352Arg).

Ambry Genetics
Classification: Uncertain significance. Last evaluated: 2022-05-27. Review status: criteria provided, single submitter. Criteria: Ambry Variant Classification Scheme 2023. Collection method: clinical testing. Allele origin: germline.

NM_198859.4(PRICKLE2):c.1055T>G (p.Leu352Arg)

Gene: PRICKLE2 (prickle planar cell polarity protein 2; minus strand). Cytogenetic location: 3p14.1.
Variant type: single nucleotide variant.
Coding change: c.1055T>G on transcript NM_198859.4 (MANE Select); coding-DNA position 1055, T replaced by G.
Protein change: p.Leu352Arg; replaces leucine 352 with arginine.
Molecular consequence: missense variant.
Genome position (GRCh38, 1-based): chr3:64,147,435, A>C on the plus strand (T>G on the coding strand, the complement: PRICKLE2 is on the minus strand). VCF-style: chr3-64147435-A-C. GRCh37 (hg19) VCF-style: chr3-64133111-A-C.
Other names: c.1055T>G, p.Leu352Arg (NM_001370528.1); short protein forms L352R.
Identifiers: ClinVar variation 1990156 (VCV001990156.5), dbSNP rs2077475272, ClinGen allele CA353431630.